The following is an entry in ClinVar:

ClinVar aggregate classification (germline): Uncertain significance (1 of 4 stars; one submission).

gnomAD v4.1: 11 of 1,612,402 alleles (0.00068%); highest among the groups gnomAD compares: Non-Finnish European, 0.00093%; no homozygotes.

Submission:

Labcorp Genetics (formerly Invitae), Labcorp
Classification: Uncertain significance. Last evaluated: 2025-09-06. Review status: criteria provided, single submitter. Criteria: Invitae Variant Classification Sherloc (09022015). Collection method: clinical testing. Allele origin: germline.
Comment: This sequence change replaces asparagine, which is neutral and polar, with aspartic acid, which is acidic and polar, at codon 436 of the TIMM50 protein (p.Asn436Asp). This variant is not present in population databases (gnomAD no frequency). This variant has not been reported in the literature in individuals affected with TIMM50-related conditions. An algorithm developed to predict the effect of missense changes on protein structure and function (PolyPhen-2) suggests that this variant is likely to be tolerated. In summary, the available evidence is currently insufficient to determine the role of this variant in disease. Therefore, it has been classified as a Variant of Uncertain Significance.

NM_001001563.5(TIMM50):c.997A>G (p.Asn333Asp)

Gene: TIMM50 (translocase of inner mitochondrial membrane 50; plus strand). Cytogenetic location: 19q13.2.
Variant type: single nucleotide variant.
Coding change: c.997A>G on transcript NM_001001563.5 (MANE Select); coding-DNA position 997, A replaced by G.
Protein change: p.Asn333Asp; replaces asparagine 333 with aspartic acid.
Molecular consequence: missense variant.
Genome position (GRCh38, 1-based): chr19:39,489,755, A>G. VCF-style: chr19-39489755-A-G. GRCh37 (hg19) VCF-style: chr19-39980395-A-G.
Other names: c.658A>G, p.Asn220Asp (NM_001329559.2); short protein forms N333D, N220D.
Identifiers: ClinVar variation 4753323 (VCV004753323.1).
Genomic context (GRCh38, chr19:39,489,755, plus strand): 5'-CCTCCAACTGTCCCCCTACCCCAGGAGGAGCAGCAGCGCCTGGCCGAGCTCTCCAAGTCC[A>G]ACAAGCAGAACCTCTTCCTTGGCTCCCTCACCAGCCGCTTGTGGCCTCGCTCCAAACAGC-3'
Protein context (NP_001001563.2, residues 323-343): QQRLAELSKS[Asn333Asp]KQNLFLGSLT